The following is an entry in ClinVar:

NM_002439.5(MSH3):c.1187C>T (p.Ala396Val)

Gene: MSH3 (mutS homolog 3; plus strand). Cytogenetic location: 5q14.1.
Variant type: single nucleotide variant.
Coding change: c.1187C>T on transcript NM_002439.5 (MANE Select); coding-DNA position 1187, C replaced by T.
Protein change: p.Ala396Val; replaces alanine 396 with valine.
Molecular consequence: missense variant.
Genome position (GRCh38, 1-based): chr5:80,678,940, C>T. VCF-style: chr5-80678940-C-T. GRCh37 (hg19) VCF-style: chr5-79974759-C-T.
Other names: short protein forms A396V.
Identifiers: ClinVar variation 818536 (VCV000818536.14), dbSNP rs1580556404, ClinGen allele CA360268842.
Genomic context (GRCh38, chr5:80,678,940, plus strand): 5'-GGGGAAATACATTTTTTCTGTAACATTATATTTGTATTTGTTTTTAGGGAGTGCAGCCTG[C>T]CACAGGCGAGGTTGTGTTTGATAGTTTCCAGGACTCTGCTTCTCGTTCAGAGCTAGAAAC-3'
Protein context (NP_002430.3, residues 386-406): IFIGIVGVQP[Ala396Val]TGEVVFDSFQ

ClinVar aggregate classification (germline): Uncertain significance. Review status: criteria provided, multiple submitters, no conflicts (2 of 4 stars). 2 submissions from 2 submitters: Uncertain significance (2). Last evaluated 2023-01-24.

Conditions:
Hereditary cancer-predisposing syndrome. Also called: Tumor predisposition; Hereditary neoplastic syndrome; Neoplastic Syndromes, Hereditary; Hereditary Cancer Syndrome. Identifiers: Orphanet 140162, MedGen C0027672, MeSH D009386, MONDO:0015356.

Submissions (2):

Labcorp Genetics (formerly Invitae), Labcorp
Classification: Uncertain significance. Last evaluated: 2023-01-24. Review status: criteria provided, single submitter. Criteria: Invitae Variant Classification Sherloc (09022015). Collection method: clinical testing. Allele origin: germline.
Comment: ClinVar contains an entry for this variant (Variation ID: 818536). In summary, the available evidence is currently insufficient to determine the role of this variant in disease. Therefore, it has been classified as a Variant of Uncertain Significance. Algorithms developed to predict the effect of missense changes on protein structure and function (SIFT, PolyPhen-2, Align-GVGD) all suggest that this variant is likely to be tolerated. This variant has not been reported in the literature in individuals affected with MSH3-related conditions. This variant is not present in population databases (gnomAD no frequency). This sequence change replaces alanine, which is neutral and non-polar, with valine, which is neutral and non-polar, at codon 396 of the MSH3 protein (p.Ala396Val).

Ambry Genetics
Classification: Uncertain significance for Hereditary cancer-predisposing syndrome. Last evaluated: 2019-08-07. Review status: criteria provided, single submitter. Criteria: Ambry Variant Classification Scheme 2023. Collection method: clinical testing. Allele origin: germline.
Comment: The p.A396V variant (also known as c.1187C>T), located in coding exon 8 of the MSH3 gene, results from a C to T substitution at nucleotide position 1187. The alanine at codon 396 is replaced by valine, an amino acid with similar properties. This amino acid position is poorly conserved in available vertebrate species. In addition, the in silico prediction for this alteration is inconclusive. Since supporting evidence is limited at this time, the clinical significance of this alteration remains unclear.